The following is an entry in ClinVar:

ClinVar aggregate classification (germline): Benign. Review status: criteria provided, multiple submitters, no conflicts (2 of 4 stars). 5 submissions from 5 submitters: Benign (5). Last evaluated 2026-07-01.

Conditions:
Metaphyseal anadysplasia 2 (MANDP2). Also called: Metaphyseal anadysplasia 2, autosomal recessive. Identifiers: Orphanet 1040, MedGen C2751322, MONDO:0013113, OMIM 613073.

Allele frequency attached by ClinVar (database versions not stated): 1000 Genomes Project 30x 0.00765; 1000 Genomes Project 0.00799; ExAC 0.00915; gnomAD exomes 0.00928 and 0.01127; gnomAD 0.01033 and 0.01103; ESP Exome Variant Server 0.01115; TOPMed 0.01169.

Submissions (5):

CeGaT Center for Human Genetics Tuebingen
Classification: Benign. Last evaluated: 2026-07-01. Review status: criteria provided, single submitter. Criteria: CeGaT Center For Human Genetics Tuebingen Variant Classification Criteria Version 2. Collection method: clinical testing. Allele origin: germline. Affected: yes. Observed: 8 variant alleles.
Comment: MMP9: BP4, BS1, BS2

Labcorp Genetics (formerly Invitae), Labcorp
Classification: Benign. Last evaluated: 2026-02-01. Review status: criteria provided, single submitter. Criteria: Invitae Variant Classification Sherloc (09022015). Collection method: clinical testing. Allele origin: germline.

GeneDx
Classification: Benign. Last evaluated: 2021-03-16. Review status: criteria provided, single submitter. Criteria: GeneDx Variant Classification Process June 2021. Collection method: clinical testing. Allele origin: germline. Affected: yes.
Comment: This variant is associated with the following publications: (PMID: 22942228, 24627221)

Illumina Laboratory Services, Illumina
Classification: Benign for Metaphyseal anadysplasia 2. Last evaluated: 2017-04-27. Review status: criteria provided, single submitter. Criteria: ICSL Variant Classification Criteria 13 December 2019. Collection method: clinical testing. Allele origin: germline.
Comment: This variant was observed as part of a predisposition screen in an ostensibly healthy population. A literature search was performed for the gene, cDNA change, and amino acid change (where applicable). Publications were found based on this search. The evidence from the literature, in combination with allele frequency data from public databases where available, was sufficient to rule this variant out of causing disease. Therefore, this variant is classified as benign.

Breakthrough Genomics
Classification: Benign. Review status: criteria provided, single submitter. Criteria: ACMG Guidelines, 2015. Collection method: not provided. Allele origin: germline. Inheritance: Autosomal recessive inheritance. Affected: yes.

Literature cited by the submitters: PubMed 26207422 (cited by Illumina Laboratory Services, Illumina).

NM_004994.3(MMP9):c.113A>G (p.Asn38Ser)

Gene: MMP9 (matrix metallopeptidase 9; plus strand). Cytogenetic location: 20q13.12.
Variant type: single nucleotide variant.
Coding change: c.113A>G on transcript NM_004994.3 (MANE Select); coding-DNA position 113, A replaced by G.
Protein change: p.Asn38Ser; replaces asparagine 38 with serine.
Molecular consequence: missense variant.
Genome position (GRCh38, 1-based): chr20:46,009,039, A>G. VCF-style: chr20-46009039-A-G. GRCh37 (hg19) VCF-style: chr20-44637678-A-G.
Other names: short protein forms N38S.
Identifiers: ClinVar variation 708035 (VCV000708035.44), dbSNP rs41427445, ClinGen allele CA9886319.